The following is an entry in ClinVar:

ClinVar aggregate classification (germline): Likely benign. Review status: criteria provided, multiple submitters, no conflicts (2 of 4 stars). 3 submissions from 3 submitters: Likely benign (3). Last evaluated 2026-03-01.

gnomAD v4.1: 141 of 815,742 alleles (0.017%); highest among the groups gnomAD compares: Middle Eastern, 0.11%; 1 homozygote.

Submissions (3):

CeGaT Center for Human Genetics Tuebingen
Classification: Likely benign. Last evaluated: 2026-03-01. Review status: criteria provided, single submitter. Criteria: CeGaT Center For Human Genetics Tuebingen Variant Classification Criteria Version 2. Collection method: clinical testing. Allele origin: germline. Affected: yes. Observed: 1 variant allele.
Comment: CRELD1: BP4

Laboratory of Genetics, Children's Clinical University Hospital Latvia
Classification: Likely benign. Last evaluated: 2025-02-16. Review status: criteria provided, single submitter. Criteria: ACMG Guidelines, 2015. Collection method: clinical testing. Allele origin: germline. Affected: yes.

Blueprint Genetics
Classification: Likely benign. Last evaluated: 2024-10-23. Review status: criteria provided, single submitter. Criteria: ACMG Guidelines, 2015. Collection method: clinical testing. Allele origin: germline.

NM_001077415.3(CRELD1):c.1049-316T>C

Gene: CRELD1 (CRELD disulfide isomerase 1; plus strand). Cytogenetic location: 3p25.3.
Variant type: single nucleotide variant.
Coding change: c.1049-316T>C on transcript NM_001077415.3 (MANE Select); 316 bases into the intron before coding-DNA position 1049, T replaced by C.
Molecular consequence: intron variant. On other transcripts: missense variant (3), 3 prime UTR variant (1).
Genome position (GRCh38, 1-based): chr3:9,944,049, T>C. VCF-style: chr3-9944049-T-C. GRCh37 (hg19) VCF-style: chr3-9985733-T-C.
Other names: c.1196T>C, p.Leu399Pro (NM_001031717.4); c.1208T>C, p.Leu403Pro (NM_001374317.1, NM_001374318.1); c.*298T>C (NM_001410713.1); c.965-316T>C (NM_001374319.1, NM_001374320.1); c.1049-316T>C (NM_001374316.1, NM_015513.6); short protein forms L399P, L403P.
Identifiers: ClinVar variation 3910277 (VCV003910277.6).